The following is an entry in ClinVar:

NM_005188.4(CBL):c.1091C>T (p.Thr364Ile)

Gene: CBL (Cbl proto-oncogene; plus strand). Cytogenetic location: 11q23.3.
Variant type: single nucleotide variant.
Coding change: c.1091C>T on transcript NM_005188.4 (MANE Select); coding-DNA position 1091, C replaced by T.
Protein change: p.Thr364Ile; replaces threonine 364 with isoleucine.
Molecular consequence: missense variant.
Genome position (GRCh38, 1-based): chr11:119,277,840, C>T. VCF-style: chr11-119277840-C-T. GRCh37 (hg19) VCF-style: chr11-119148550-C-T.
Other names: short protein forms T364I.
Identifiers: ClinVar variation 1334228 (VCV001334228.8), dbSNP rs2135303015, ClinGen allele CA382912106.

ClinVar aggregate classification (germline): Uncertain significance. Review status: criteria provided, multiple submitters, no conflicts (2 of 4 stars). 2 submissions from 2 submitters: Uncertain significance (2). Last evaluated 2022-05-20.

Conditions:
RASopathy. Also called: rasopathies; Noonan spectrum disorder. Identifiers: Orphanet 536391, MedGen C5555857, MONDO:0021060.
Noonan syndrome and Noonan-related syndrome. Identifiers: Orphanet 98733, MedGen C5681679, MONDO:0020297.

Submissions (2):

Labcorp Genetics (formerly Invitae), Labcorp
Classification: Uncertain significance for RASopathy. Last evaluated: 2022-05-20. Review status: criteria provided, single submitter. Criteria: Invitae Variant Classification Sherloc (09022015). Collection method: clinical testing. Allele origin: germline.
Comment: This sequence change replaces threonine, which is neutral and polar, with isoleucine, which is neutral and non-polar, at codon 364 of the CBL protein (p.Thr364Ile). This variant is not present in population databases (gnomAD no frequency). In summary, the available evidence is currently insufficient to determine the role of this variant in disease. Therefore, it has been classified as a Variant of Uncertain Significance. Advanced modeling of protein sequence and biophysical properties (such as structural, functional, and spatial information, amino acid conservation, physicochemical variation, residue mobility, and thermodynamic stability) performed at Invitae indicates that this missense variant is expected to disrupt CBL protein function. ClinVar contains an entry for this variant (Variation ID: 1334228). This variant has not been reported in the literature in individuals affected with CBL-related conditions.

Genome Diagnostics Laboratory, The Hospital for Sick Children
Classification: Uncertain significance for Noonan syndrome and Noonan-related syndrome. Last evaluated: 2019-07-01. Review status: criteria provided, single submitter. Criteria: ACMG Guidelines, 2015. Collection method: clinical testing. Allele origin: germline.